The following is an entry in ClinVar:

ClinVar aggregate classification (germline): Conflicting classifications of pathogenicity. Review status: criteria provided, conflicting classifications (1 of 4 stars). 7 submissions from 7 submitters: Uncertain significance (3); Likely benign (3). 1 of the submissions does not count toward it. Last evaluated 2025-10-31.

Conditions:
Hereditary pheochromocytoma and paraganglioma. Also called: Hereditary Paraganglioma-Pheochromocytoma Syndromes; Hereditary paragangliomas and pheochromocytomas; Hereditary pheochromocytoma-paraganglioma. Identifiers: Orphanet 29072, MedGen C4274332, MONDO:0017366.
Pheochromocytoma/paraganglioma syndrome 2. Also called: SDHAF2-Related Hereditary Paraganglioma-Pheochromocytoma Syndrome (Paragangliomas 2); Paragangliomas 2; GLOMUS TUMORS, FAMILIAL, 2; SDHAF2-Related Hereditary Paraganglioma-Pheochromocytoma Syndrome. Identifiers: Orphanet 29072, MedGen C1866552, MONDO:0011121, OMIM 601650.
SDHAF2-related disorder. Also called: SDHAF2-related condition.
Hereditary cancer-predisposing syndrome. Also called: Hereditary neoplastic syndrome; Neoplastic Syndromes, Hereditary; Tumor predisposition; Hereditary Cancer Syndrome. Identifiers: Orphanet 140162, MedGen C0027672, MeSH D009386, MONDO:0015356.

Allele frequency attached by ClinVar (database versions not stated): gnomAD 0.00006 and 0.00007; TOPMed 0.00006; ESP Exome Variant Server 0.00015; 1000 Genomes Project 0.00040; 1000 Genomes Project 30x 0.00047; gnomAD exomes 0.00001; ExAC 0.00004.
gnomAD v4.1: 14 of 1,614,196 alleles (0.00087%); highest among the groups gnomAD compares: African/African-American, 0.019%; no homozygotes.

Submissions (7):

Labcorp Genetics (formerly Invitae), Labcorp
Classification: Uncertain significance for Hereditary pheochromocytoma and paraganglioma. Last evaluated: 2025-10-31. Review status: criteria provided, single submitter. Criteria: Invitae Variant Classification Sherloc (09022015). Collection method: clinical testing. Allele origin: germline.
Comment: This sequence change replaces lysine, which is basic and polar, with glutamic acid, which is acidic and polar, at codon 164 of the SDHAF2 protein (p.Lys164Glu). This variant is present in population databases (rs150187184, gnomAD 0.02%). This variant has not been reported in the literature in individuals affected with SDHAF2-related conditions. ClinVar contains an entry for this variant (Variation ID: 241218). An algorithm developed to predict the effect of missense changes on protein structure and function outputs the following: PolyPhen-2: "Benign". The glutamic acid amino acid residue is found in multiple mammalian species, which suggests that this missense change does not adversely affect protein function. RNA analysis performed to evaluate the impact of this missense change on mRNA splicing indicates it does not significantly alter splicing (internal data). In summary, the available evidence is currently insufficient to determine the role of this variant in disease. Therefore, it has been classified as a Variant of Uncertain Significance.

Ambry Genetics
Classification: Likely benign for Hereditary cancer-predisposing syndrome. Last evaluated: 2024-05-14. Review status: criteria provided, single submitter. Criteria: Ambry Variant Classification Scheme 2023. Collection method: clinical testing. Allele origin: germline.

Baylor Genetics
Classification: Uncertain significance for Pheochromocytoma/paraganglioma syndrome 2. Last evaluated: 2024-03-24. Review status: criteria provided, single submitter. Criteria: ACMG Guidelines, 2015. Collection method: clinical testing. Allele origin: unknown.

All of Us Research Program, National Institutes of Health
Classification: Likely benign for Hereditary pheochromocytoma and paraganglioma. Last evaluated: 2023-12-14. Review status: criteria provided, single submitter. Criteria: ACMG Guidelines, 2015. Collection method: clinical testing. Allele origin: germline. Inheritance: Autosomal dominant inheritance. Observed: 6 variant alleles, 6 heterozygotes.
Comment: This missense variant replaces lysine with glutamic acid at codon 164 of the SDHAF2 protein. Computational prediction suggests that this variant may not impact protein structure and function (internally defined REVEL score threshold <= 0.5, PMID: 27666373). To our knowledge, functional studies have not been reported for this variant. This variant has not been reported in individuals affected with SDHAF2-related disorders in the literature. This variant has been identified in 5/282870 chromosomes in the general population by the Genome Aggregation Database (gnomAD). The available evidence is insufficient to determine the role of this variant in disease conclusively. Therefore, this variant is classified as a Variant of Uncertain Significance.

This study involves interpretation of variants in research participants for the purpose of population health screening. Participant phenotype was not available at the time of variant classification. Additional details can be found in publication PMID: 35346344, PMCID: PMC8962531

Color Diagnostics, LLC DBA Color Health
Classification: Likely benign for Hereditary pheochromocytoma and paraganglioma. Last evaluated: 2023-05-07. Review status: criteria provided, single submitter. Criteria: ACMG Guidelines, 2015. Collection method: clinical testing. Allele origin: germline.

GeneDx
Classification: Uncertain significance. Last evaluated: 2023-02-15. Review status: criteria provided, single submitter. Criteria: GeneDx Variant Classification Process June 2021. Collection method: clinical testing. Allele origin: germline. Affected: yes.
Comment: In silico analysis supports that this missense variant does not alter protein structure/function; Has not been previously published as pathogenic or benign to our knowledge

PreventionGenetics, part of Exact Sciences
Classification: Uncertain significance for SDHAF2-related condition. Last evaluated: 2024-08-26. Review status: no assertion criteria provided. Collection method: clinical testing. Allele origin: germline. Not counted in ClinVar's aggregate classification.
Comment: The SDHAF2 c.490A>G variant is predicted to result in the amino acid substitution p.Lys164Glu. To our knowledge, this variant has not been reported in the literature. This variant is reported in 0.020% of alleles in individuals of African descent in gnomAD. This variant has interpretations of likely benign and uncertain significance in ClinVar. Although we suspect that this variant may be benign, at this time, the clinical significance of this variant is uncertain due to the absence of conclusive functional and genetic evidence.

NM_017841.4(SDHAF2):c.490A>G (p.Lys164Glu)

Gene: SDHAF2 (succinate dehydrogenase complex assembly factor 2; plus strand). Cytogenetic location: 11q12.2.
Variant type: single nucleotide variant.
Coding change: c.490A>G on transcript NM_017841.4 (MANE Select); coding-DNA position 490, A replaced by G.
Protein change: p.Lys164Glu; replaces lysine 164 with glutamic acid.
Molecular consequence: missense variant.
Genome position (GRCh38, 1-based): chr11:61,446,060, A>G. VCF-style: chr11-61446060-A-G. GRCh37 (hg19) VCF-style: chr11-61213532-A-G.
Other names: short protein forms K164E.
Identifiers: ClinVar variation 241218 (VCV000241218.17), dbSNP rs150187184, ClinGen allele CA059431.